The following is an entry in ClinVar:

ClinVar aggregate classification (germline): Uncertain significance (1 of 4 stars; one submission).

Conditions:
Gastrointestinal stromal tumor. Also called: Gastrointestinal stromal tumor, somatic; Gastrointestinal stroma tumor. Identifiers: Orphanet 44890, MedGen C0238198, MeSH D046152, MONDO:0011719, OMIM 606764, HP:0100723.

Submission:

Labcorp Genetics (formerly Invitae), Labcorp
Classification: Uncertain significance for Gastrointestinal stromal tumor. Last evaluated: 2024-01-28. Review status: criteria provided, single submitter. Criteria: Invitae Variant Classification Sherloc (09022015). Collection method: clinical testing. Allele origin: germline.
Comment: This sequence change falls in intron 14 of the PDGFRA gene. It does not directly change the encoded amino acid sequence of the PDGFRA protein. It affects a nucleotide within the consensus splice site. This variant is not present in population databases (gnomAD no frequency). This variant has not been reported in the literature in individuals affected with PDGFRA-related conditions. Variants that disrupt the consensus splice site are a relatively common cause of aberrant splicing (PMID: 17576681, 9536098). Algorithms developed to predict the effect of sequence changes on RNA splicing suggest that this variant is not likely to affect RNA splicing. In summary, the available evidence is currently insufficient to determine the role of this variant in disease. Therefore, it has been classified as a Variant of Uncertain Significance.

Literature cited by the submitters: PubMed 17576681; PubMed 9536098.

NM_006206.6(PDGFRA):c.2002+4G>C

Gene: PDGFRA (platelet derived growth factor receptor alpha; plus strand). Cytogenetic location: 4q12.
Variant type: single nucleotide variant.
Coding change: c.2002+4G>C on transcript NM_006206.6 (MANE Select); 4 bases into the intron after coding-DNA position 2002, G replaced by C.
Molecular consequence: intron variant.
Genome position (GRCh38, 1-based): chr4:54,278,010, G>C. VCF-style: chr4-54278010-G-C. GRCh37 (hg19) VCF-style: chr4-55144177-G-C.
Other names: c.2077+4G>C (NM_001347828.2); c.2002+4G>C (NM_001347827.2, NM_001347829.2); c.2041+4G>C (NM_001347830.2).
Identifiers: ClinVar variation 2713911 (VCV002713911.3), dbSNP rs748849639, ClinGen allele CA2697546746.